The following is an entry in ClinVar:

NM_014391.3(ANKRD1):c.818T>C (p.Met273Thr)

Gene: ANKRD1 (ankyrin repeat domain 1; minus strand). Cytogenetic location: 10q23.31.
Variant type: single nucleotide variant.
Coding change: c.818T>C on transcript NM_014391.3 (MANE Select); coding-DNA position 818, T replaced by C.
Protein change: p.Met273Thr; replaces methionine 273 with threonine.
Molecular consequence: missense variant.
Genome position (GRCh38, 1-based): chr10:90,915,574, A>G on the plus strand (T>C on the coding strand, the complement: ANKRD1 is on the minus strand). VCF-style: chr10-90915574-A-G. GRCh37 (hg19) VCF-style: chr10-92675331-A-G.
Other names: short protein forms M273T.
Identifiers: ClinVar variation 198856 (VCV000198856.24), dbSNP rs183061595, ClinGen allele CA247704.
Genomic context (GRCh38, chr10:90,915,574, plus strand): 5'-AAGCGGTGTTTCTTGTTTCCAGTACTTACACAGTTCTTGATGTTGAGATCCGCGCCATAC[A>G]TAATCAGGAGTCGGATCATCTTATAGCGGTTCAGTCTCACCGCATCATGCAACGGGGTAT-3'
Protein context (NP_055206.2, residues 263-283): NRYKMIRLLI[Met273Thr]YGADLNIKNC

ClinVar aggregate classification (germline): Conflicting classifications of pathogenicity. Review status: criteria provided, conflicting classifications (1 of 4 stars). 5 submissions from 5 submitters: Uncertain significance (3); Likely benign (2). Last evaluated 2026-06-24.

Conditions:
ANKRD1-related disorder. Also called: ANKRD1-related condition.
Cardiovascular phenotype. Identifiers: MedGen CN230736.
ANKRD1-related dilated cardiomyopathy. Identifiers: MedGen CN119551.

Allele frequency attached by ClinVar (database versions not stated): gnomAD exomes 0.00003 and 0.00008; ExAC 0.00009; ESP Exome Variant Server 0.00015; gnomAD 0.00039 and 0.00041; TOPMed 0.00040; 1000 Genomes Project 0.00060; 1000 Genomes Project 30x 0.00062.
gnomAD v4.1: 117 of 1,614,068 alleles (0.0072%); highest among the groups gnomAD compares: African/African-American, 0.12%; no homozygotes.

Submissions (5):

PreventionGenetics, part of Exact Sciences
Classification: Uncertain significance for ANKRD1-related condition. Last evaluated: 2026-06-24. Review status: criteria provided, single submitter. Criteria: ACMG Guidelines, 2015. Collection method: clinical testing. Allele origin: germline.
Comment: The ANKRD1 c.818T>C variant is predicted to result in the amino acid substitution p.Met273Thr. To our knowledge, this variant has not been reported in the literature. This variant is reported in 0.096% of alleles in individuals of African descent in gnomAD. Although we suspect that this variant may be benign, at this time, the clinical significance of this variant is uncertain due to the absence of conclusive functional and genetic evidence.

Labcorp Genetics (formerly Invitae), Labcorp
Classification: Likely benign for ANKRD1-related dilated cardiomyopathy. Last evaluated: 2026-01-26. Review status: criteria provided, single submitter. Criteria: Invitae Variant Classification Sherloc (09022015). Collection method: clinical testing. Allele origin: germline.

GeneDx
Classification: Uncertain significance. Last evaluated: 2025-06-06. Review status: criteria provided, single submitter. Criteria: GeneDx Variant Classification Process June 2021. Collection method: clinical testing. Allele origin: germline. Affected: yes.
Comment: Has not been previously published as pathogenic or benign to our knowledge; In silico analysis supports that this missense variant has a deleterious effect on protein structure/function

Ambry Genetics
Classification: Likely benign for Cardiovascular phenotype. Last evaluated: 2018-11-03. Review status: criteria provided, single submitter. Criteria: Ambry Variant Classification Scheme 2023. Collection method: clinical testing. Allele origin: germline.

Eurofins Ntd Llc (ga)
Classification: Uncertain significance. Last evaluated: 2015-03-20. Review status: criteria provided, single submitter. Criteria: EGL Classification Definitions 2015. Collection method: clinical testing. Allele origin: germline. Observed: 1 variant allele, 1 heterozygote.